The following is an entry in ClinVar:

ClinVar aggregate classification (germline): Benign. Review status: criteria provided, multiple submitters, no conflicts (2 of 4 stars). 11 submissions from 11 submitters: Benign (8). 3 of the submissions do not count toward it. Last evaluated 2026-02-04.

Conditions:
Inborn genetic diseases. Identifiers: MedGen C0950123, MeSH D030342.
Intellectual developmental disorder, autosomal recessive 13. Also called: Intellectual disability, autosomal recessive 13. Identifiers: Orphanet 88616, MedGen C2750791, MONDO:0013173, OMIM 613192.

Allele frequency attached by ClinVar (database versions not stated): 1000 Genomes Project 30x 0.53061; 1000 Genomes Project 0.53794; gnomAD exomes 0.53902 and 0.56015; ExAC 0.54394; TOPMed 0.54529; gnomAD 0.55888 and 0.55959; ESP Exome Variant Server 0.56574.
gnomAD v4.1: 903,198 of 1,613,186 alleles (56%); highest among the groups gnomAD compares: Non-Finnish European, 57%; 254,252 homozygotes.

Submissions (11):

Labcorp Genetics (formerly Invitae), Labcorp
Classification: Benign. Last evaluated: 2026-02-04. Review status: criteria provided, single submitter. Criteria: Invitae Variant Classification Sherloc (09022015). Collection method: clinical testing. Allele origin: germline.

Blueprint Genetics
Classification: Benign. Last evaluated: 2024-11-27. Review status: criteria provided, single submitter. Criteria: ACMG Guidelines, 2015. Collection method: clinical testing. Allele origin: germline.

Mayo Clinic Laboratories, Mayo Clinic
Classification: Benign. Last evaluated: 2022-03-10. Review status: criteria provided, single submitter. Criteria: ACMG Guidelines, 2015. Collection method: clinical testing. Allele origin: germline. Observed: 17 variant alleles.

Genome-Nilou Lab
Classification: Benign for Intellectual developmental disorder, autosomal recessive 13. Last evaluated: 2021-09-10. Review status: criteria provided, single submitter. Criteria: ACMG Guidelines, 2015. Collection method: clinical testing. Allele origin: germline. Affected: no.

GeneDx
Classification: Benign. Last evaluated: 2018-07-20. Review status: criteria provided, single submitter. Criteria: GeneDx Variant Classification Process June 2021. Collection method: clinical testing. Allele origin: germline. Affected: yes.

Ambry Genetics
Classification: Benign for Inborn genetic diseases. Last evaluated: 2016-03-11. Review status: criteria provided, single submitter. Criteria: Ambry Variant Classification Scheme 2023. Collection method: clinical testing. Allele origin: germline.

Breakthrough Genomics
Classification: Benign. Review status: criteria provided, single submitter. Criteria: ACMG Guidelines, 2015. Collection method: not provided. Allele origin: germline. Inheritance: Autosomal recessive inheritance. Affected: yes.

PreventionGenetics, part of Exact Sciences
Classification: Benign. Review status: criteria provided, single submitter. Criteria: ACMG Guidelines, 2015. Collection method: clinical testing. Allele origin: germline.

Diagnostic Laboratory, Department of Genetics, University Medical Center Groningen
Classification: Benign. Review status: no assertion criteria provided. Collection method: clinical testing. Allele origin: germline. Affected: yes. Study: VKGL Data-share Consensus. Not counted in ClinVar's aggregate classification.

Genetic Services Laboratory, University of Chicago
Classification: Likely benign for AllHighlyPenetrant. Review status: no assertion criteria provided. Collection method: clinical testing. Allele origin: germline. Inheritance: Autosomal recessive inheritance. Not counted in ClinVar's aggregate classification.
Comment: Likely benign based on allele frequency in 1000 Genomes Project or ESP global frequency and its presence in a patient with a rare or unrelated disease phenotype. NOT Sanger confirmed.

Joint Genome Diagnostic Labs from Nijmegen and Maastricht, Radboudumc and MUMC+
Classification: Benign. Review status: no assertion criteria provided. Collection method: clinical testing. Allele origin: germline. Affected: yes. Study: VKGL Data-share Consensus. Not counted in ClinVar's aggregate classification.

NM_001160372.4(TRAPPC9):c.207T>C (p.Gly69=)

Gene: TRAPPC9 (trafficking protein particle complex subunit 9; minus strand). Cytogenetic location: 8q24.3.
Variant type: single nucleotide variant.
Coding change: c.207T>C on transcript NM_001160372.4 (MANE Select); coding-DNA position 207, T replaced by C.
Protein change: p.Gly69=; no amino-acid change (glycine 69 retained).
Molecular consequence: synonymous variant. On other transcripts: non-coding transcript variant (1).
Genome position (GRCh38, 1-based): chr8:140,451,167, A>G on the plus strand (T>C on the coding strand, the complement: TRAPPC9 is on the minus strand). VCF-style: chr8-140451167-A-G. GRCh37 (hg19) VCF-style: chr8-141461266-A-G.
Other names: p.Gly167=; c.501T>C (NM_031466.7); c.207T>C, p.Gly69= (NM_001321646.2, NM_001374682.1, NM_001374683.1 and 2 more transcripts).
Identifiers: ClinVar variation 130634 (VCV000130634.37), dbSNP rs3735801, ClinGen allele CA155788.